The following is an entry in ClinVar:

ClinVar aggregate classification (germline): Likely benign. Review status: criteria provided, single submitter (1 of 4 stars). 2 submissions from 2 submitters: Likely benign (1). 1 of the submissions does not count toward it. Last evaluated 2025-10-15.

Conditions:
SCN4A-related disorder. Also called: SCN4A-related disorders.
Hyperkalemic periodic paralysis. Also called: Familial hyperkalemic periodic paralysis; Gamstorp disease. Identifiers: Orphanet 682, MedGen C0238357, MONDO:0008224, OMIM 170500, HP:0007215.

Submissions (2):

Labcorp Genetics (formerly Invitae), Labcorp
Classification: Likely benign for Hyperkalemic periodic paralysis. Last evaluated: 2025-10-15. Review status: criteria provided, single submitter. Criteria: Invitae Variant Classification Sherloc (09022015). Collection method: clinical testing. Allele origin: germline.

PreventionGenetics, part of Exact Sciences
Classification: Likely benign for SCN4A-related condition. Last evaluated: 2024-05-22. Review status: no assertion criteria provided. Collection method: clinical testing. Allele origin: germline. Not counted in ClinVar's aggregate classification.
Comment: This variant is classified as likely benign based on ACMG/AMP sequence variant interpretation guidelines (Richards et al. 2015 PMID: 25741868, with internal and published modifications).

NM_000334.4(SCN4A):c.3255G>T (p.Val1085=)

Genes: GH-LCR (growth hormone locus control region; plus strand), SCN4A (sodium voltage-gated channel alpha subunit 4; minus strand). Cytogenetic location: 17q23.3.
Variant type: single nucleotide variant.
Coding change: c.3255G>T on transcript NM_000334.4 (MANE Select); coding-DNA position 3255, G replaced by T.
Protein change: p.Val1085=; no amino-acid change (valine 1085 retained).
Molecular consequence: synonymous variant.
Genome position (GRCh38, 1-based): chr17:63,947,953, C>A on the plus strand (G>T on the coding strand, the complement: SCN4A is on the minus strand). VCF-style: chr17-63947953-C-A. GRCh37 (hg19) VCF-style: chr17-62025313-C-A.
Identifiers: ClinVar variation 3348462 (VCV003348462.2).